The following is an entry in ClinVar:

NM_012082.4(ZFPM2):c.2829G>A (p.Lys943=)

Genes: ZFPM2 (zinc finger protein, FOG family member 2; plus strand), ZFPM2-AS1 (ZFPM2 antisense RNA 1; minus strand), LOC126860469 (BRD4-independent group 4 enhancer GRCh37_chr8:106814445-106815644; plus strand). Cytogenetic location: 8q23.1.
Variant type: single nucleotide variant.
Coding change: c.2829G>A on transcript NM_012082.4 (MANE Select); coding-DNA position 2829, G replaced by A.
Protein change: p.Lys943=; no amino-acid change (lysine 943 retained).
Molecular consequence: synonymous variant.
Genome position (GRCh38, 1-based): chr8:105,802,911, G>A. VCF-style: chr8-105802911-G-A. GRCh37 (hg19) VCF-style: chr8-106815139-G-A.
Other names: c.2670G>A, p.Lys890= (NM_001362836.2); c.2433G>A, p.Lys811= (NM_001362837.2).
Identifiers: ClinVar variation 5041007 (VCV005041007.1).

ClinVar aggregate classification (germline): Likely benign (1 of 4 stars; one submission).

gnomAD v4.1: 30 of 1,613,490 alleles (0.0019%); highest among the groups gnomAD compares: Non-Finnish European, 0.0024%; no homozygotes.

Submission:

CeGaT Center for Human Genetics Tuebingen
Classification: Likely benign. Last evaluated: 2026-09-01. Review status: criteria provided, single submitter. Criteria: CeGaT Center For Human Genetics Tuebingen Variant Classification Criteria Version 2. Collection method: clinical testing. Allele origin: germline. Affected: yes. Observed: 1 variant allele.
Comment: ZFPM2: BP4, BP7